The following is an entry in ClinVar:

ClinVar aggregate classification (germline): Uncertain significance (1 of 4 stars; one submission).

gnomAD v4.1: 2 of 1,614,098 alleles (0.00012%); highest among the groups gnomAD compares: East Asian, 0.0022%; no homozygotes.

Submission:

Ambry Genetics
Classification: Uncertain significance. Last evaluated: 2025-08-10. Review status: criteria provided, single submitter. Criteria: Ambry Variant Classification Scheme 2023. Collection method: clinical testing. Allele origin: germline.
Comment: The p.L413I variant (also known as c.1237C>A), located in coding exon 8 of the ATRIP gene, results from a C to A substitution at nucleotide position 1237. The leucine at codon 413 is replaced by isoleucine, an amino acid with highly similar properties. This amino acid position is conserved. In addition, this alteration is predicted to be tolerated by in silico analysis. Based on the available evidence, the clinical significance of this variant remains unclear.

NM_130384.3(ATRIP):c.1237C>A (p.Leu413Ile)

Genes: ATRIP (ATR interacting protein; plus strand), ATRIP-TREX1 (ATRIP-TREX1 readthrough; plus strand). Cytogenetic location: 3p21.31.
Variant type: single nucleotide variant.
Coding change: c.1237C>A on transcript NM_130384.3 (MANE Select); coding-DNA position 1237, C replaced by A.
Protein change: p.Leu413Ile; replaces leucine 413 with isoleucine.
Molecular consequence: missense variant. On other transcripts: non-coding transcript variant (1).
Genome position (GRCh38, 1-based): chr3:48,460,291, C>A. VCF-style: chr3-48460291-C-A. GRCh37 (hg19) VCF-style: chr3-48501690-C-A.
Other names: c.856C>A, p.Leu286Ile (NM_001271022.2); c.958C>A, p.Leu320Ile (NM_001271023.2); c.1237C>A, p.Leu413Ile (NM_032166.4); short protein forms L320I, L413I, L286I.
Identifiers: ClinVar variation 4182410 (VCV004182410.1).